The following is an entry in ClinVar:

NM_005912.3(MC4R):c.622A>G (p.Met208Val)

Gene: MC4R (melanocortin 4 receptor; minus strand). Cytogenetic location: 18q21.32.
Variant type: single nucleotide variant.
Coding change: c.622A>G on transcript NM_005912.3 (MANE Select); coding-DNA position 622, A replaced by G.
Protein change: p.Met208Val; replaces methionine 208 with valine.
Molecular consequence: missense variant.
Genome position (GRCh38, 1-based): chr18:60,371,728, T>C on the plus strand (A>G on the coding strand, the complement: MC4R is on the minus strand). VCF-style: chr18-60371728-T-C. GRCh37 (hg19) VCF-style: chr18-58038961-T-C.
Other names: short protein forms M208V.
Identifiers: ClinVar variation 4988497 (VCV004988497.1).

ClinVar aggregate classification (germline): Uncertain significance (1 of 4 stars; one submission).

Conditions:
MC4R-related disorder. Also called: MC4R-related condition.

Submission:

PreventionGenetics, part of Exact Sciences
Classification: Uncertain significance for MC4R-related condition. Last evaluated: 2025-03-06. Review status: criteria provided, single submitter. Criteria: ACMG Guidelines, 2015. Collection method: clinical testing. Allele origin: germline.
Comment: The MC4R c.622A>G variant is predicted to result in the amino acid substitution p.Met208Val. This variant was reported in individuals with obesity, however, its pathogenicity was not elucidated (Cole et al. 2010. PubMed ID: 19889825). In functional studies, this variant may result in reduced MC4R function compared to wild type (He et al. 2014. PubMed ID: 25332687; Hohenadel et al. 2014. PubMed ID: 24276017). This variant is reported in 0.0029% of alleles in individuals of Latino descent in gnomAD. At this time, the clinical significance of this variant is uncertain due to the absence of conclusive functional and genetic evidence.